The following is an entry in ClinVar:

NM_001105206.3(LAMA4):c.1769C>G (p.Ala590Gly)

Gene: LAMA4 (laminin subunit alpha 4; minus strand). Cytogenetic location: 6q21.
Variant type: single nucleotide variant.
Coding change: c.1769C>G on transcript NM_001105206.3 (MANE Select); coding-DNA position 1769, C replaced by G.
Protein change: p.Ala590Gly; replaces alanine 590 with glycine.
Molecular consequence: missense variant.
Genome position (GRCh38, 1-based): chr6:112,158,780, G>C on the plus strand (C>G on the coding strand, the complement: LAMA4 is on the minus strand). VCF-style: chr6-112158780-G-C. GRCh37 (hg19) VCF-style: chr6-112479982-G-C.
Other names: c.1748C>G, p.Ala583Gly (NM_001105207.3, NM_002290.5); short protein forms A583G, A590G.
Identifiers: ClinVar variation 1205186 (VCV001205186.13), dbSNP rs782394010, ClinGen allele CA3965688.

ClinVar aggregate classification (germline): Uncertain significance. Review status: criteria provided, multiple submitters, no conflicts (2 of 4 stars). 4 submissions from 4 submitters: Uncertain significance (4). Last evaluated 2025-11-07.

Conditions:
Cardiovascular phenotype. Identifiers: MedGen CN230736.
Dilated cardiomyopathy 1JJ (CMD1JJ). Identifiers: Orphanet 154, MedGen C3808935, MONDO:0014095, OMIM 615235.

Allele frequency attached by ClinVar (database versions not stated): gnomAD 0.00004 and 0.00005; TOPMed 0.00004; ExAC 0.00001.
gnomAD v4.1: 21 of 1,613,504 alleles (0.0013%); highest among the groups gnomAD compares: Non-Finnish European, 0.0016%; no homozygotes.

Submissions (4):

Ambry Genetics
Classification: Uncertain significance for Cardiovascular phenotype. Last evaluated: 2025-11-07. Review status: criteria provided, single submitter. Criteria: Ambry Variant Classification Scheme 2023. Collection method: clinical testing. Allele origin: germline.
Comment: The p.A583G variant (also known as c.1748C>G), located in coding exon 13 of the LAMA4 gene, results from a C to G substitution at nucleotide position 1748. The alanine at codon 583 is replaced by glycine, an amino acid with similar properties. This amino acid position is highly conserved in available vertebrate species. In addition, this alteration is predicted to be tolerated by in silico analysis. The evidence for this gene-disease relationship is limited; therefore, the clinical significance of this alteration is unclear.

Labcorp Genetics (formerly Invitae), Labcorp
Classification: Uncertain significance for Dilated cardiomyopathy 1JJ. Last evaluated: 2025-09-07. Review status: criteria provided, single submitter. Criteria: Invitae Variant Classification Sherloc (09022015). Collection method: clinical testing. Allele origin: germline.
Comment: This sequence change replaces alanine, which is neutral and non-polar, with glycine, which is neutral and non-polar, at codon 583 of the LAMA4 protein (p.Ala583Gly). This variant is present in population databases (rs782394010, gnomAD 0.003%). This variant has not been reported in the literature in individuals affected with LAMA4-related conditions. ClinVar contains an entry for this variant (Variation ID: 1205186). Invitae Evidence Modeling of protein sequence and biophysical properties (such as structural, functional, and spatial information, amino acid conservation, physicochemical variation, residue mobility, and thermodynamic stability) indicates that this missense variant is expected to disrupt LAMA4 protein function with a positive predictive value of 80%. In summary, the available evidence is currently insufficient to determine the role of this variant in disease. Therefore, it has been classified as a Variant of Uncertain Significance.

GeneDx
Classification: Uncertain significance. Last evaluated: 2024-08-14. Review status: criteria provided, single submitter. Criteria: GeneDx Variant Classification Process June 2021. Collection method: clinical testing. Allele origin: germline. Affected: yes.
Comment: Has not been previously published as pathogenic or benign to our knowledge; Not observed at significant frequency in large population cohorts (gnomAD); In silico analysis supports that this missense variant has a deleterious effect on protein structure/function

Fulgent Genetics
Classification: Uncertain significance for Dilated cardiomyopathy 1JJ. Last evaluated: 2021-09-20. Review status: criteria provided, single submitter. Criteria: ACMG Guidelines, 2015. Collection method: clinical testing. Allele origin: unknown.